The following is an entry in ClinVar:

ClinVar aggregate classification (germline): Likely pathogenic (1 of 4 stars; one submission).

Conditions:
Familial adenomatous polyposis 2. Also called: Adenomas, multiple colorectal; MUTYH Polyposis; COLORECTAL ADENOMATOUS POLYPOSIS, AUTOSOMAL RECESSIVE; ADENOMAS, MULTIPLE COLORECTAL, AUTOSOMAL RECESSIVE; FAP type 2; MUTYH-associated polyposis. Identifiers: Orphanet 220460, Orphanet 247798, MedGen C3272841, MONDO:0012041, OMIM 608456.

Submission:

Labcorp Genetics (formerly Invitae), Labcorp
Classification: Likely pathogenic for Familial adenomatous polyposis 2. Last evaluated: 2020-08-14. Review status: criteria provided, single submitter. Criteria: Invitae Variant Classification Sherloc (09022015). Collection method: clinical testing. Allele origin: germline.
Comment: In summary, the currently available evidence indicates that the variant is pathogenic, but additional data are needed to prove that conclusively. Therefore, this variant has been classified as Likely Pathogenic. This frameshift disrupts the conserved PCNA binding motif of MUTYH (Gln526-Phe533, also known as Gln512-Phe519 in the literature because of transcript nomenclature differences), which has been shown to be critical for MUTYH-PCNA binding (PMID: 11092888, 26377631). Experimental studies have shown that MUTYH and PCNA co-localize at sites of DNA replication, and that MUTYH-PCNA complexes posses adenine glycosylase activity (PMID: 11433026). In MUTYH-deficient murine cells, a mutated MUTYH protein in which the conserved PCNA binding motif was disrupted did not increase repair efficiency as compared to wild-type MUTYH (PMID: 11864576). Algorithms developed to predict the effect of sequence changes on RNA splicing suggest that this variant may create or strengthen a splice site, but this prediction has not been confirmed by published transcriptional studies. This variant has not been reported in the literature in individuals with MUTYH-related conditions. This variant is not present in population databases (ExAC no frequency). This sequence change results in a frameshift in the MUTYH gene (p.Ser514Trpfs*47). While this is not anticipated to result in nonsense mediated decay, it is expected to disrupt the last 36 amino acids of the MUTYH protein and extend the protein by an additional 10 amino acids.

Literature cited by the submitters: PubMed 11092888; PubMed 26377631; PubMed 11433026; PubMed 11864576.

NM_001048174.2(MUTYH):c.1457_1487del (p.Ser486fs)

Gene: MUTYH (mutY DNA glycosylase; minus strand). Cytogenetic location: 1p34.1.
Variant type: Deletion.
Coding change: c.1457_1487del on transcript NM_001048174.2 (MANE Select); coding-DNA positions 1457 to 1487, 31 bases deleted.
Protein change: p.Ser486fs; shifts the reading frame from serine 486.
Molecular consequence: frameshift variant. On other transcripts: non-coding transcript variant (2).
Genome position (GRCh38, 1-based): chr1:45,329,385-45,329,415, 31 bases deleted; deleting any 31 consecutive bases within chr1:45,329,385-45,329,416 gives the same sequence; the c. name uses the placement nearest the transcript's 3' end. GRCh37 (hg19): chr1:45,795,058-45,795,088.
Other names: c.1532_1562del, p.Ser511fs (NM_012222.3); c.1181_1211del, p.Ser394fs (NM_001293192.2, NM_001293196.2); c.1457_1487del, p.Ser486fs (NM_001293195.2, NM_001048171.2, NM_001048173.2); c.1112_1142del, p.Ser371fs (NM_001350650.2, NM_001350651.2); c.1460_1490del, p.Ser487fs (NM_001048172.2); c.1541_1571del, p.Ser514fs (NM_001128425.2); c.1502_1532del, p.Ser501fs (NM_001293190.2); c.1490_1520del, p.Ser497fs (NM_001293191.2); short protein forms S371fs, S394fs, S486fs, S487fs, S497fs, S501fs, S511fs, S514fs.
Identifiers: ClinVar variation 1067114 (VCV001067114.9), dbSNP rs2149088820, ClinGen allele CA2499214753.